The following is an entry in ClinVar:

NM_006493.4(CLN5):c.-87C>T

Gene: CLN5 (CLN5 lysosomal BMP synthase; plus strand). Cytogenetic location: 13q22.3.
Variant type: single nucleotide variant.
Coding change: c.-87C>T on transcript NM_006493.4 (MANE Select); 87 bases upstream of the start codon, C replaced by T.
Genome position (GRCh38, 1-based): chr13:76,992,012, C>T. VCF-style: chr13-76992012-C-T. GRCh37 (hg19) VCF-style: chr13-77566147-C-T.
Other names: p.P21S:CCG>TCG.
Identifiers: ClinVar variation 193342 (VCV000193342.68), dbSNP rs200353554, ClinGen allele CA238864.

ClinVar aggregate classification (germline): Benign/Likely benign. Review status: criteria provided, multiple submitters, no conflicts (2 of 4 stars). 12 submissions from 12 submitters: Benign (3); Likely benign (6). 3 of the submissions do not count toward it. Last evaluated 2026-02-02.

Conditions:
CLN5-related disorder. Also called: CLN5-related condition.
Inborn genetic diseases. Identifiers: MedGen C0950123, MeSH D030342.
Neuronal ceroid lipofuscinosis. Also called: Neuronal Ceroid Lipofuscinoses. Identifiers: Orphanet 216, Orphanet 79263, MedGen C0027877, MONDO:0016295. Disease mechanism: loss of function.
Neuronal ceroid lipofuscinosis 5 (CLN5). Also called: Neuronal ceroid lipofuscinosis Finnish variant; NEURONAL CEROID LIPOFUSCINOSIS, LATE INFANTILE, FINNISH VARIANT; CEROID LIPOFUSCINOSIS, NEURONAL, 5, VARIABLE AGE AT ONSET; CLN5-Related Neuronal Ceroid-Lipofuscinosis. Identifiers: Orphanet 168491, Orphanet 228360, MedGen C1850442, MONDO:0009745, OMIM 256731.

Allele frequency attached by ClinVar (database versions not stated): 1000 Genomes Project 0.00100; 1000 Genomes Project 30x 0.00141; ESP Exome Variant Server 0.00248; TOPMed 0.00256; gnomAD 0.00298 and 0.00309; gnomAD exomes 0.00349 and 0.00396; ExAC 0.00627.

Submissions (12):

Labcorp Genetics (formerly Invitae), Labcorp
Classification: Benign for Neuronal ceroid lipofuscinosis. Last evaluated: 2026-02-02. Review status: criteria provided, single submitter. Criteria: Invitae Variant Classification Sherloc (09022015). Collection method: clinical testing. Allele origin: germline.

ARUP Laboratories, Molecular Genetics and Genomics, ARUP Laboratories
Classification: Likely benign for Neuronal ceroid lipofuscinosis 5. Last evaluated: 2024-12-16. Review status: criteria provided, single submitter. Criteria: ARUP Molecular Germline Variant Investigation Process 2024. Collection method: clinical testing. Allele origin: germline.

CeGaT Center for Human Genetics Tuebingen
Classification: Benign. Last evaluated: 2023-02-01. Review status: criteria provided, single submitter. Criteria: CeGaT Center For Human Genetics Tuebingen Variant Classification Criteria Version 2. Collection method: clinical testing. Allele origin: germline. Affected: yes. Observed: 6 variant alleles.
Comment: CLN5: BS1, BS2

Mendelics
Classification: Likely benign for Neuronal ceroid lipofuscinosis 1. Last evaluated: 2019-05-28. Review status: criteria provided, single submitter. Criteria: Mendelics Assertion Criteria 2017. Collection method: clinical testing. Allele origin: unknown.

Athena Diagnostics
Classification: Benign. Last evaluated: 2018-11-05. Review status: criteria provided, single submitter. Criteria: Athena Diagnostics Criteria. Collection method: clinical testing. Allele origin: germline.

Ambry Genetics
Classification: Likely benign for Inborn genetic diseases. Last evaluated: 2018-10-04. Review status: criteria provided, single submitter. Criteria: Ambry Variant Classification Scheme 2023. Collection method: clinical testing. Allele origin: germline.

GeneDx
Classification: Likely benign. Last evaluated: 2017-11-08. Review status: criteria provided, single submitter. Criteria: GeneDx Variant Classification (06012015). Collection method: clinical testing. Allele origin: germline. Affected: yes.
Comment: This variant is considered likely benign or benign based on one or more of the following criteria: it is a conservative change, it occurs at a poorly conserved position in the protein, it is predicted to be benign by multiple in silico algorithms, and/or has population frequency not consistent with disease.

Eurofins Ntd Llc (ga)
Classification: Likely benign. Last evaluated: 2017-06-29. Review status: criteria provided, single submitter. Criteria: EGL Classification Definitions 2015. Collection method: clinical testing. Allele origin: germline. Observed: 7 variant alleles, 7 heterozygotes.

Center for Pediatric Genomic Medicine, Children's Mercy Hospital and Clinics
Classification: Likely benign. Last evaluated: 2016-12-05. Review status: criteria provided, single submitter. Criteria: ACMG Guidelines, 2015. Collection method: clinical testing. Allele origin: germline.
ClinVar note: Converted during submission from Likely Benign to Likely benign.

Natera, Inc.
Classification: Benign for Neuronal ceroid lipofuscinosis 5. Last evaluated: 2020-04-16. Review status: no assertion criteria provided. Collection method: clinical testing. Allele origin: germline. Not counted in ClinVar's aggregate classification.

PreventionGenetics, part of Exact Sciences
Classification: Likely benign for CLN5-related condition. Last evaluated: 2019-09-20. Review status: no assertion criteria provided. Collection method: clinical testing. Allele origin: germline. Not counted in ClinVar's aggregate classification.
Comment: This variant is classified as likely benign based on ACMG/AMP sequence variant interpretation guidelines (Richards et al. 2015 PMID: 25741868, with internal and published modifications).

Counsyl
Classification: Likely benign for Neuronal ceroid lipofuscinosis 5. Last evaluated: 2017-12-28. Review status: no assertion criteria provided. Collection method: clinical testing. Allele origin: unknown. Not counted in ClinVar's aggregate classification.

Literature cited by the submitters: PubMed 22727047 (cited by 3 submitters); PubMed 21990111 (cited by Athena Diagnostics and Ambry Genetics).